The following is an entry in ClinVar:

ClinVar aggregate classification (germline): Uncertain significance (1 of 4 stars; one submission).

gnomAD v4.1: 2 of 1,584,508 alleles (0.00013%); highest among the groups gnomAD compares: Non-Finnish European, 0.00017%; no homozygotes.

Submission:

GeneDx
Classification: Uncertain significance. Last evaluated: 2020-02-13. Review status: criteria provided, single submitter. Criteria: GeneDx Variant Classification Process June 2021. Collection method: clinical testing. Allele origin: germline. Affected: yes.
Comment: Not observed in large population cohorts (Lek et al., 2016); Has not been previously published as pathogenic or benign to our knowledge; In-silico analysis, which includes splice predictors and evolutionary conservation, is inconclusive as to whether the variant alters gene splicing. In the absence of RNA/functional studies, the actual effect of this sequence change is unknown.

NM_015978.3(TNNI3K):c.1668G>A (p.Arg556=)

Genes: FPGT-TNNI3K (FPGT-TNNI3K readthrough; plus strand), TNNI3K (TNNI3 interacting kinase; plus strand). Cytogenetic location: 1p31.1.
Variant type: single nucleotide variant.
Coding change: c.1668G>A on transcript NM_015978.3 (MANE Select); coding-DNA position 1668, G replaced by A.
Protein change: p.Arg556=; no amino-acid change (arginine 556 retained).
Molecular consequence: synonymous variant.
Genome position (GRCh38, 1-based): chr1:74,370,288, G>A. VCF-style: chr1-74370288-G-A. GRCh37 (hg19) VCF-style: chr1-74835972-G-A.
Other names: c.1971G>A, p.Arg657= (NM_001112808.3, NM_001199327.2).
Identifiers: ClinVar variation 1312328 (VCV001312328.2), dbSNP rs764942265, ClinGen allele CA418326370.